The following is an entry in ClinVar:

ClinVar aggregate classification (germline): Uncertain significance (1 of 4 stars; one submission).

Submission:

Labcorp Genetics (formerly Invitae), Labcorp
Classification: Uncertain significance. Last evaluated: 2025-07-31. Review status: criteria provided, single submitter. Criteria: Invitae Variant Classification Sherloc (09022015). Collection method: clinical testing. Allele origin: germline.
Comment: This sequence change replaces lysine, which is basic and polar, with glutamic acid, which is acidic and polar, at codon 680 of the UTP4 protein (p.Lys680Glu). This variant is not present in population databases (gnomAD no frequency). This variant has not been reported in the literature in individuals affected with UTP4-related conditions. Invitae Evidence Modeling of protein sequence and biophysical properties (such as structural, functional, and spatial information, amino acid conservation, physicochemical variation, residue mobility, and thermodynamic stability) indicates that this missense variant is not expected to disrupt UTP4 protein function with a negative predictive value of 80%. In summary, the available evidence is currently insufficient to determine the role of this variant in disease. Therefore, it has been classified as a Variant of Uncertain Significance.

NM_032830.3(UTP4):c.2038A>G (p.Lys680Glu)

Gene: UTP4 (UTP4 small subunit processome component). Cytogenetic location: 16q22.1.
Variant type: single nucleotide variant.
Coding change: c.2038A>G on transcript NM_032830.3 (MANE Select); coding-DNA position 2038, A replaced by G.
Protein change: p.Lys680Glu; replaces lysine 680 with glutamic acid.
Molecular consequence: missense variant.
Genome position (GRCh38, 1-based): chr16:69,168,914, A>G. VCF-style: chr16-69168914-A-G. GRCh37 (hg19) VCF-style: chr16-69202817-A-G.
Other names: c.1789A>G, p.Lys597Glu (NM_001318391.2); short protein forms K597E, K680E.
Identifiers: ClinVar variation 4742026 (VCV004742026.1).